The following is an entry in ClinVar:

ClinVar aggregate classification (germline): Uncertain significance (1 of 4 stars; one submission).

Submission:

Labcorp Genetics (formerly Invitae), Labcorp
Classification: Uncertain significance. Last evaluated: 2024-12-31. Review status: criteria provided, single submitter. Criteria: Invitae Variant Classification Sherloc (09022015). Collection method: clinical testing. Allele origin: germline.
Comment: This sequence change replaces glycine, which is neutral and non-polar, with aspartic acid, which is acidic and polar, at codon 325 of the RASGRP1 protein (p.Gly325Asp). This variant is not present in population databases (gnomAD no frequency). This variant has not been reported in the literature in individuals affected with RASGRP1-related conditions. Invitae Evidence Modeling of protein sequence and biophysical properties (such as structural, functional, and spatial information, amino acid conservation, physicochemical variation, residue mobility, and thermodynamic stability) indicates that this missense variant is not expected to disrupt RASGRP1 protein function with a negative predictive value of 80%. In summary, the available evidence is currently insufficient to determine the role of this variant in disease. Therefore, it has been classified as a Variant of Uncertain Significance.

NM_005739.4(RASGRP1):c.974G>A (p.Gly325Asp)

Gene: RASGRP1 (RAS guanyl releasing protein 1; minus strand). Cytogenetic location: 15q14.
Variant type: single nucleotide variant.
Coding change: c.974G>A on transcript NM_005739.4 (MANE Select); coding-DNA position 974, G replaced by A.
Protein change: p.Gly325Asp; replaces glycine 325 with aspartic acid.
Molecular consequence: missense variant.
Genome position (GRCh38, 1-based): chr15:38,507,994, C>T on the plus strand (G>A on the coding strand, the complement: RASGRP1 is on the minus strand). VCF-style: chr15-38507994-C-T. GRCh37 (hg19) VCF-style: chr15-38800195-C-T.
Other names: c.974G>A, p.Gly325Asp (NM_001128602.2, NM_001306086.2); short protein forms G325D.
Identifiers: ClinVar variation 3666014 (VCV003666014.2).
Genomic context (GRCh38, chr15:38,507,994, plus strand): 5'-CCATAGGCTCGCCGGTAATTGTCGTAGTTTCTGGAGGAGGACAGCAGCTCAGTCATCTCA[C>T]CGAGAACCTACAAAGCAGAACAGACCAATCACAGGTACCCGCTAGGCAGTGTGCATTGTC-3'
Protein context (NP_005730.2, residues 315-335): HVPHEINKVL[Gly325Asp]EMTELLSSSR